The following is an entry in ClinVar:

ClinVar aggregate classification (germline): Likely benign. Review status: criteria provided, multiple submitters, no conflicts (2 of 4 stars). 2 submissions from 2 submitters: Likely benign (2). Last evaluated 2026-05-01.

Conditions:
Multiple mitochondrial dysfunctions syndrome 1 (MMDS1). Identifiers: Orphanet 401869, MedGen C3276432, MONDO:0011582, OMIM 605711.

Allele frequency attached by ClinVar (database versions not stated): gnomAD exomes below 0.00001.
gnomAD v4.1: 1 of 1,609,334 alleles (0.000062%); highest among the groups gnomAD compares: Non-Finnish European, 0.000085%; no homozygotes.

Submissions (2):

CeGaT Center for Human Genetics Tuebingen
Classification: Likely benign. Last evaluated: 2026-05-01. Review status: criteria provided, single submitter. Criteria: CeGaT Center For Human Genetics Tuebingen Variant Classification Criteria Version 2. Collection method: clinical testing. Allele origin: germline. Affected: yes. Observed: 1 variant allele.
Comment: NFU1: BP4, BP7

Labcorp Genetics (formerly Invitae), Labcorp
Classification: Likely benign for Multiple mitochondrial dysfunctions syndrome 1. Last evaluated: 2024-09-23. Review status: criteria provided, single submitter. Criteria: Invitae Variant Classification Sherloc (09022015). Collection method: clinical testing. Allele origin: germline.

NM_001002755.4(NFU1):c.39T>G (p.Ala13=)

Genes: NFU1 (NFU1 iron-sulfur cluster scaffold; minus strand), LOC129934004 (ATAC-STARR-seq lymphoblastoid active region 15971; plus strand). Cytogenetic location: 2p13.3.
Variant type: single nucleotide variant.
Coding change: c.39T>G on transcript NM_001002755.4 (MANE Select); coding-DNA position 39, T replaced by G.
Protein change: p.Ala13=; no amino-acid change (alanine 13 retained).
Molecular consequence: synonymous variant. On other transcripts: 5 prime UTR variant (2), non-coding transcript variant (2), intron variant (1).
Genome position (GRCh38, 1-based): chr2:69,437,384, A>C on the plus strand (T>G on the coding strand, the complement: NFU1 is on the minus strand). VCF-style: chr2-69437384-A-C. GRCh37 (hg19) VCF-style: chr2-69664516-A-C.
Other names: c.-339T>G (NM_001002756.2); c.-124T>G (NM_015700.4); c.-11+669T>G (NM_001374284.1).
Identifiers: ClinVar variation 2118008 (VCV002118008.6), dbSNP rs2466468385, ClinGen allele CA426626507.